The following is an entry in ClinVar:

NM_001382430.1(AKT1):c.979G>C (p.Gly327Arg)

Gene: AKT1 (AKT serine/threonine kinase 1; minus strand). Cytogenetic location: 14q32.33.
Variant type: single nucleotide variant.
Coding change: c.979G>C on transcript NM_001382430.1 (MANE Select); coding-DNA position 979, G replaced by C.
Protein change: p.Gly327Arg; replaces glycine 327 with arginine.
Molecular consequence: missense variant.
Genome position (GRCh38, 1-based): chr14:104,773,071, C>G on the plus strand (G>C on the coding strand, the complement: AKT1 is on the minus strand). VCF-style: chr14-104773071-C-G. GRCh37 (hg19) VCF-style: chr14-105239408-C-G.
Other names: c.979G>C, p.Gly327Arg (NM_001014431.2, NM_001014432.2, NM_001382431.1 and 3 more transcripts); short protein forms G327R.
Identifiers: ClinVar variation 1768235 (VCV001768235.2), dbSNP rs1171160211, ClinGen allele CA391217358.

ClinVar aggregate classification (germline): Uncertain significance (1 of 4 stars; one submission).

Conditions:
Inborn genetic diseases. Identifiers: MedGen C0950123, MeSH D030342.

Submission:

Ambry Genetics
Classification: Uncertain significance for Inborn genetic diseases. Last evaluated: 2021-08-05. Review status: criteria provided, single submitter. Criteria: Ambry Variant Classification Scheme 2023. Collection method: clinical testing. Allele origin: germline.
Comment: The p.G327R variant (also known as c.979G>C), located in coding exon 10 of the AKT1 gene, results from a G to C substitution at nucleotide position 979. The glycine at codon 327 is replaced by arginine, an amino acid with dissimilar properties. This amino acid position is conserved. In addition, this alteration is predicted to be tolerated by in silico analysis. Since supporting evidence is limited at this time, the clinical significance of this alteration remains unclear.